The following is an entry in ClinVar:

NM_001009944.3(PKD1):c.9048del (p.Gln3016fs)

Gene: PKD1 (polycystin 1, transient receptor potential channel interacting; minus strand). Cytogenetic location: 16p13.3.
Variant type: Deletion.
Coding change: c.9048del on transcript NM_001009944.3 (MANE Select); coding-DNA position 9048, one base deleted (G; older notation c.9048delG).
Protein change: p.Gln3016fs; shifts the reading frame from glutamine 3016.
Molecular consequence: frameshift variant.
Genome position (GRCh38, 1-based): chr16:2,102,534, C deleted on the plus strand (G on the coding strand, the reverse complement: PKD1 is on the minus strand). VCF-style (leftmost placement, unchanged base first): chr16-2102533-AC-A. GRCh37 (hg19) VCF-style: chr16-2152534-AC-A.
Other names: c.9048del, p.Gln3016fs (NM_000296.4); short protein forms Q3016fs.
Identifiers: ClinVar variation 3256708 (VCV003256708.1).

ClinVar aggregate classification (germline): Pathogenic (1 of 4 stars; one submission).

Conditions:
Polycystic kidney disease, adult type (PKD1). Also called: Polycystic Kidney Disease 1, Autosomal Dominant; Polycystic kidney disease 1; Polycystic kidney disease 1, severe; POLYCYSTIC KIDNEY DISEASE, ADULT, TYPE I; Polycystic Kidney, Autosomal Dominant; POLYCYSTIC KIDNEY DISEASE 1 WITH OR WITHOUT POLYCYSTIC LIVER DISEASE. Identifiers: MedGen C3149841, MONDO:0008263, OMIM 173900.

Submission:

MVZ Medizinische Genetik Mainz
Classification: Pathogenic for Polycystic kidney disease, adult type. Last evaluated: 2024-06-18. Review status: criteria provided, single submitter. Criteria: UK Practice Guidelines For Variant Classification V4 01 2020. Collection method: clinical testing. Allele origin: germline. Inheritance: Autosomal dominant inheritance. Affected: yes. Observed: 1 variant allele.
Comment: ACMG Criteria: PVS1,PM2_SUP,PP4